The following is an entry in ClinVar:

NM_000179.3(MSH6):c.4048G>A (p.Val1350Ile)

Gene: MSH6 (mutS homolog 6; plus strand). Cytogenetic location: 2p16.3.
Variant type: single nucleotide variant.
Coding change: c.4048G>A on transcript NM_000179.3 (MANE Select); coding-DNA position 4048, G replaced by A.
Protein change: p.Val1350Ile; replaces valine 1350 with isoleucine.
Molecular consequence: missense variant.
Genome position (GRCh38, 1-based): chr2:47,806,825, G>A. VCF-style: chr2-47806825-G-A. GRCh37 (hg19) VCF-style: chr2-48033964-G-A.
Other names: c.3658G>A, p.Val1220Ile (NM_001281492.2); c.3142G>A, p.Val1048Ile (NM_001281493.2, NM_001281494.2); short protein forms V1048I, V1220I, V1350I.
Identifiers: ClinVar variation 1525495 (VCV001525495.12), dbSNP rs772707858, ClinGen allele CA346761710.

ClinVar aggregate classification (germline): Uncertain significance. Review status: criteria provided, multiple submitters, no conflicts (2 of 4 stars). 4 submissions from 4 submitters: Uncertain significance (4). Last evaluated 2024-04-08.

Conditions:
Endometrial carcinoma. Also called: Endometrial carcinoma, somatic. Identifiers: MedGen C0476089, MONDO:0002447, OMIM 608089, HP:0012114.
Hereditary nonpolyposis colorectal neoplasms. Identifiers: MedGen C0009405, MeSH D003123.
Hereditary cancer-predisposing syndrome. Also called: Neoplastic Syndromes, Hereditary; Hereditary Cancer Syndrome; Tumor predisposition; Hereditary neoplastic syndrome. Identifiers: Orphanet 140162, MedGen C0027672, MeSH D009386, MONDO:0015356.

gnomAD v4.1: 1 of 1,610,164 alleles (0.000062%); highest among the groups gnomAD compares: East Asian, 0.0022%; no homozygotes.

Submissions (4):

Quest Diagnostics Nichols Institute San Juan Capistrano
Classification: Uncertain significance. Last evaluated: 2024-04-08. Review status: criteria provided, single submitter. Criteria: Quest Diagnostics criteria. Collection method: clinical testing. Allele origin: unknown.
Comment: The MSH6 c.4048G>A (p.Val1350Ile) variant has not been reported in individuals with MSH6-related conditions in the published literature. It also has not been reported in large, multi-ethnic general populations (Genome Aggregation Database). Analysis of this variant using bioinformatics tools for the prediction of the effect of amino acid changes on protein structure and function yielded predictions that this variant is benign. Based on the available information, we are unable to determine the clinical significance of this variant.

Labcorp Genetics (formerly Invitae), Labcorp
Classification: Uncertain significance for Hereditary nonpolyposis colorectal neoplasms. Last evaluated: 2023-11-08. Review status: criteria provided, single submitter. Criteria: Invitae Variant Classification Sherloc (09022015). Collection method: clinical testing. Allele origin: germline.
Comment: This sequence change replaces valine, which is neutral and non-polar, with isoleucine, which is neutral and non-polar, at codon 1350 of the MSH6 protein (p.Val1350Ile). This variant is not present in population databases (gnomAD no frequency). This variant has not been reported in the literature in individuals affected with MSH6-related conditions. ClinVar contains an entry for this variant (Variation ID: 1525495). Advanced modeling of protein sequence and biophysical properties (such as structural, functional, and spatial information, amino acid conservation, physicochemical variation, residue mobility, and thermodynamic stability) performed at Invitae indicates that this missense variant is not expected to disrupt MSH6 protein function with a negative predictive value of 95%. In summary, the available evidence is currently insufficient to determine the role of this variant in disease. Therefore, it has been classified as a Variant of Uncertain Significance.

Baylor Genetics
Classification: Uncertain significance for Endometrial carcinoma. Last evaluated: 2023-08-04. Review status: criteria provided, single submitter. Criteria: ACMG Guidelines, 2015. Collection method: clinical testing. Allele origin: unknown.

Ambry Genetics
Classification: Uncertain significance for Hereditary cancer-predisposing syndrome. Last evaluated: 2021-06-18. Review status: criteria provided, single submitter. Criteria: Ambry Variant Classification Scheme 2023. Collection method: clinical testing. Allele origin: germline.
Comment: The p.V1350I variant (also known as c.4048G>A), located in coding exon 10 of the MSH6 gene, results from a G to A substitution at nucleotide position 4048. The valine at codon 1350 is replaced by isoleucine, an amino acid with highly similar properties. This amino acid position is poorly conserved in available vertebrate species. In addition, this alteration is predicted to be tolerated by in silico analysis. Since supporting evidence is limited at this time, the clinical significance of this alteration remains unclear.